The following is an entry in ClinVar:

NM_001145252.3(CFP):c.739A>T (p.Arg247Trp)

Gene: CFP (complement factor properdin; minus strand). Cytogenetic location: Xp11.23.
Variant type: single nucleotide variant.
Coding change: c.739A>T on transcript NM_001145252.3 (MANE Select); coding-DNA position 739, A replaced by T.
Protein change: p.Arg247Trp; replaces arginine 247 with tryptophan.
Molecular consequence: missense variant.
Genome position (GRCh38, 1-based): chrX:47,627,168, T>A on the plus strand (A>T on the coding strand, the complement: CFP is on the minus strand). VCF-style: chrX-47627168-T-A. GRCh37 (hg19) VCF-style: chrX-47486567-T-A.
Other names: c.739A>T, p.Arg247Trp (NM_002621.2); short protein forms R247W.
Identifiers: ClinVar variation 1309247 (VCV001309247.4), dbSNP rs1406008963, ClinGen allele CA412837903.

ClinVar aggregate classification (germline): Uncertain significance. Review status: criteria provided, multiple submitters, no conflicts (2 of 4 stars). 2 submissions from 2 submitters: Uncertain significance (2). Last evaluated 2025-01-29.

Allele frequency attached by ClinVar (database versions not stated): TOPMed below 0.00001; gnomAD exomes 0.00001 and 0.00002.
gnomAD v4.1: 25 of 1,211,568 alleles (0.0021%); highest among the groups gnomAD compares: Non-Finnish European, 0.0025%; no homozygotes.

Submissions (2):

Labcorp Genetics (formerly Invitae), Labcorp
Classification: Uncertain significance. Last evaluated: 2025-01-29. Review status: criteria provided, single submitter. Criteria: Invitae Variant Classification Sherloc (09022015). Collection method: clinical testing. Allele origin: germline.
Comment: This sequence change replaces arginine, which is basic and polar, with tryptophan, which is neutral and slightly polar, at codon 247 of the CFP protein (p.Arg247Trp). This variant is present in population databases (no rsID available, gnomAD 0.001%). This variant has not been reported in the literature in individuals affected with CFP-related conditions. ClinVar contains an entry for this variant (Variation ID: 1309247). Invitae Evidence Modeling of protein sequence and biophysical properties (such as structural, functional, and spatial information, amino acid conservation, physicochemical variation, residue mobility, and thermodynamic stability) indicates that this missense variant is not expected to disrupt CFP protein function with a negative predictive value of 80%. In summary, the available evidence is currently insufficient to determine the role of this variant in disease. Therefore, it has been classified as a Variant of Uncertain Significance.

GeneDx
Classification: Uncertain significance. Last evaluated: 2019-10-23. Review status: criteria provided, single submitter. Criteria: GeneDx Variant Classification Process June 2021. Collection method: clinical testing. Allele origin: germline. Affected: yes.
Comment: Not observed at a significant frequency in large population cohorts (Lek et al., 2016); In silico analysis, which includes protein predictors and evolutionary conservation, supports that this variant does not alter protein structure/function; Has not been previously published as pathogenic or benign to our knowledge